The following is an entry in ClinVar:

ClinVar aggregate classification (germline): Benign/Likely benign. Review status: criteria provided, multiple submitters, no conflicts (2 of 4 stars). 4 submissions from 4 submitters: Benign (1); Likely benign (2). 1 of the submissions does not count toward it. Last evaluated 2026-08-01.

Conditions:
Frontotemporal dementia (FTD1). Also called: FRONTOTEMPORAL LOBAR DEGENERATION WITH TAU INCLUSIONS; FTLD WITH TAU INCLUSIONS; MULTIPLE SYSTEM TAUOPATHY WITH PRESENILE DEMENTIA; WILHELMSEN-LYNCH DISEASE; Frontotemporal lobe dementia (FLDEM); Frontotemporal Dementia with Parkinsonism-17 (FTDP-17). Identifiers: Orphanet 282, MedGen C0338451, MONDO:0017276, OMIM 600274, HP:0002145.

Allele frequency attached by ClinVar (database versions not stated): TOPMed 0.00009; ESP Exome Variant Server 0.00023; 1000 Genomes Project 30x 0.00031; 1000 Genomes Project 0.00040; gnomAD exomes 0.00086 and 0.00192; gnomAD 0.00149 and 0.00154; ExAC 0.00214.
gnomAD v4.1: 1,498 of 1,612,716 alleles (0.093%); highest among the groups gnomAD compares: South Asian, 0.037%; 11 homozygotes.

Submissions (4):

CeGaT Center for Human Genetics Tuebingen
Classification: Likely benign. Last evaluated: 2026-08-01. Review status: criteria provided, single submitter. Criteria: CeGaT Center For Human Genetics Tuebingen Variant Classification Criteria Version 2. Collection method: clinical testing. Allele origin: germline. Affected: yes. Observed: 1 variant allele.
Comment: MAPT: BP4, BP7

Labcorp Genetics (formerly Invitae), Labcorp
Classification: Benign for Frontotemporal dementia. Last evaluated: 2025-09-28. Review status: criteria provided, single submitter. Criteria: Invitae Variant Classification Sherloc (09022015). Collection method: clinical testing. Allele origin: germline.

GeneDx
Classification: Likely benign. Last evaluated: 2020-06-23. Review status: criteria provided, single submitter. Criteria: GeneDx Variant Classification Process June 2021. Collection method: clinical testing. Allele origin: germline. Affected: yes.

VIB  Department of Molecular Genetics, University of Antwerp
No classification provided. Review status: no classification provided. Collection method: not provided. Allele origin: unknown. Not counted in ClinVar's aggregate classification.

NM_001377265.1(MAPT):c.117G>A (p.Thr39=)

Gene: MAPT (microtubule associated protein tau). Cytogenetic location: 17q21.31.
Variant type: single nucleotide variant.
Coding change: c.117G>A on transcript NM_001377265.1 (MANE Select); coding-DNA position 117, G replaced by A.
Protein change: p.Thr39=; no amino-acid change (threonine 39 retained).
Molecular consequence: synonymous variant. On other transcripts: non-coding transcript variant (1).
Genome position (GRCh38, 1-based): chr17:45,962,454, G>A. VCF-style: chr17-45962454-G-A. GRCh37 (hg19) VCF-style: chr17-44039820-G-A.
Other names: c.117G>A, p.Thr39= (NM_001123066.4, NM_001123067.4, NM_001203251.2 and 8 more transcripts).
Identifiers: ClinVar variation 98195 (VCV000098195.15), dbSNP rs63750529, ClinGen allele CA225383.
Genomic context (GRCh38, chr17:45,962,454, plus strand): 5'-GTTGGGGGACAGGAAAGATCAGGGGGGCTACACCATGCACCAAGACCAAGAGGGTGACAC[G>A]GACGCTGGCCTGAAAGGTTAGTGGACAGCCATGCACAGCAGGCCCAGATCACTGCAAGCC-3'
Protein context (NP_001364194.1, residues 29-49): YTMHQDQEGD[Thr39=]DAGLKESPLQ